The following is an entry in ClinVar:

NM_001040142.2(SCN2A):c.4060A>G (p.Met1354Val)

Gene: SCN2A (sodium voltage-gated channel alpha subunit 2; plus strand). Cytogenetic location: 2q24.3.
Variant type: single nucleotide variant.
Coding change: c.4060A>G on transcript NM_001040142.2 (MANE Select); coding-DNA position 4060, A replaced by G.
Protein change: p.Met1354Val; replaces methionine 1354 with valine.
Molecular consequence: missense variant.
Genome position (GRCh38, 1-based): chr2:165,374,772, A>G. VCF-style: chr2-165374772-A-G. GRCh37 (hg19) VCF-style: chr2-166231282-A-G.
Other names: c.4060A>G, p.Met1354Val (NM_001040143.2, NM_001371246.1, NM_001371247.1 and 1 more transcripts); short protein forms M1354V.
Identifiers: ClinVar variation 852950 (VCV000852950.12), dbSNP rs1701224136, ClinGen allele CA349030560.

ClinVar aggregate classification (germline): Uncertain significance. Review status: criteria provided, multiple submitters, no conflicts (2 of 4 stars). 2 submissions from 2 submitters: Uncertain significance (2). Last evaluated 2026-06-11.

Conditions:
Seizures, benign familial infantile, 3 (BFIS3). Also called: CONVULSIONS, BENIGN FAMILIAL INFANTILE, 3; Familial neonatal seizures. Identifiers: Orphanet 140927, Orphanet 306, MedGen C1843140, MONDO:0011904, OMIM 607745.
Developmental and epileptic encephalopathy, 11 (DEE11). Also called: Early infantile epileptic encephalopathy 11. Identifiers: Orphanet 1934, MedGen C3150987, MONDO:0013388, OMIM 613721.

Allele frequency attached by ClinVar (database versions not stated): gnomAD exomes below 0.00001.

Submissions (2):

GeneDx
Classification: Uncertain significance. Last evaluated: 2026-06-11. Review status: criteria provided, single submitter. Criteria: GeneDx Variant Classification Process June 2021. Collection method: clinical testing. Allele origin: germline.
Comment: Not observed at significant frequency in large population cohorts (gnomAD); In silico analysis supports that this missense variant has a deleterious effect on protein structure/function; This substitution is predicted to be within the transmembrane segment S5 of the third homologous domain; Has not been previously published as pathogenic or benign to our knowledge

Labcorp Genetics (formerly Invitae), Labcorp
Classification: Uncertain significance for Seizures, benign familial infantile, 3; Developmental and epileptic encephalopathy, 11. Last evaluated: 2022-08-23. Review status: criteria provided, single submitter. Criteria: Invitae Variant Classification Sherloc (09022015). Collection method: clinical testing. Allele origin: germline.
Comment: In summary, the available evidence is currently insufficient to determine the role of this variant in disease. Therefore, it has been classified as a Variant of Uncertain Significance. Algorithms developed to predict the effect of missense changes on protein structure and function are either unavailable or do not agree on the potential impact of this missense change (SIFT: "Deleterious"; PolyPhen-2: "Probably Damaging"; Align-GVGD: "Class C0"). ClinVar contains an entry for this variant (Variation ID: 852950). This variant has not been reported in the literature in individuals affected with SCN2A-related conditions. This variant is not present in population databases (gnomAD no frequency). This sequence change replaces methionine, which is neutral and non-polar, with valine, which is neutral and non-polar, at codon 1354 of the SCN2A protein (p.Met1354Val).